The following is an entry in ClinVar:

NC_000006.11:g.(?_129371043)_(129470261_?)del

Gene: LAMA2 (laminin subunit alpha 2; plus strand). Cytogenetic location: 6q22.33.
Variant type: Deletion.
Identifiers: ClinVar variation 3246057 (VCV003246057.1).

ClinVar aggregate classification (germline): Pathogenic (1 of 4 stars; one submission).

Conditions:
LAMA2-related muscular dystrophy (LAMA2-RD). Also called: Laminin alpha 2-related dystrophy. Identifiers: MedGen C5679788, MONDO:0100228.

Submission:

Labcorp Genetics (formerly Invitae), Labcorp
Classification: Pathogenic for LAMA2-related muscular dystrophy. Last evaluated: 2024-01-11. Review status: criteria provided, single submitter. Criteria: Invitae Variant Classification Sherloc (09022015). Collection method: clinical testing. Allele origin: unknown.
Comment: This variant is a gross deletion of the genomic region encompassing exon(s) 2-7 of the LAMA2 gene. This variant would be expected to be in-frame, preserving the integrity of the reading frame. This variant has not been reported in the literature in individuals affected with LAMA2-related conditions. This variant disrupts a region of the LAMA2 protein in which other variant(s) (p.Gly59Glu) have been determined to be pathogenic (PMID: 33124102; Invitae). This suggests that this is a clinically significant region of the protein, and that variants that disrupt it are likely to be disease-causing. For these reasons, this variant has been classified as Pathogenic.

Literature cited by the submitters: PubMed 33124102.